The following is an entry in ClinVar:

ClinVar aggregate classification (germline): Uncertain significance (1 of 4 stars; one submission).

Allele frequency attached by ClinVar (database versions not stated): ExAC 0.00001; gnomAD exomes 0.00001.
gnomAD v4.1: 10 of 1,612,968 alleles (0.00062%); highest among the groups gnomAD compares: Non-Finnish European, 0.00085%; no homozygotes.

Submission:

Labcorp Genetics (formerly Invitae), Labcorp
Classification: Uncertain significance. Last evaluated: 2022-09-01. Review status: criteria provided, single submitter. Criteria: Invitae Variant Classification Sherloc (09022015). Collection method: clinical testing. Allele origin: germline.
Comment: In summary, the available evidence is currently insufficient to determine the role of this variant in disease. Therefore, it has been classified as a Variant of Uncertain Significance. Algorithms developed to predict the effect of missense changes on protein structure and function are either unavailable or do not agree on the potential impact of this missense change (SIFT: "Tolerated"; PolyPhen-2: "Possibly Damaging"; Align-GVGD: "Class C0"). This variant has not been reported in the literature in individuals affected with UBE3B-related conditions. This variant is present in population databases (rs757898120, gnomAD 0.002%). This sequence change replaces lysine, which is basic and polar, with glutamic acid, which is acidic and polar, at codon 352 of the UBE3B protein (p.Lys352Glu).

NM_130466.4(UBE3B):c.1054A>G (p.Lys352Glu)

Gene: UBE3B (ubiquitin protein ligase E3B; plus strand). Cytogenetic location: 12q24.11.
Variant type: single nucleotide variant.
Coding change: c.1054A>G on transcript NM_130466.4 (MANE Select); coding-DNA position 1054, A replaced by G.
Protein change: p.Lys352Glu; replaces lysine 352 with glutamic acid.
Molecular consequence: missense variant.
Genome position (GRCh38, 1-based): chr12:109,499,746, A>G. VCF-style: chr12-109499746-A-G. GRCh37 (hg19) VCF-style: chr12-109937551-A-G.
Other names: c.1054A>G, p.Lys352Glu (NM_183415.3); short protein forms K352E.
Identifiers: ClinVar variation 2186343 (VCV002186343.2), dbSNP rs757898120, ClinGen allele CA6777778.
Genomic context (GRCh38, chr12:109,499,746, plus strand): 5'-GATGGGTTCGTGAGTTTGCTCACCCAGACGCTGTGCTACTGTCGGAAGTATGTGTCTCAG[A>G]AGAAGTCCAACCTGACCCACTGGCATCCTGTCCTTGGCTGGTTCTCCCAATCTGTGGATT-3'
Protein context (NP_569733.2, residues 342-362): LCYCRKYVSQ[Lys352Glu]KSNLTHWHPV